The following is an entry in ClinVar:

ClinVar aggregate classification (germline): Conflicting classifications of pathogenicity. Review status: criteria provided, conflicting classifications (1 of 4 stars). 4 submissions from 4 submitters: Uncertain significance (2); Likely benign (2). Last evaluated 2025-11-03.

Conditions:
Inborn genetic diseases. Identifiers: MedGen C0950123, MeSH D030342.
Benign neonatal seizures. Also called: Convulsions benign familial neonatal dominant form; Autosomal dominant form of benign neonatal seizures; Benign familial neonatal seizures; Benign neonatal familial convulsions; Benign familial neonatal epilepsy. Identifiers: Orphanet 1949, MedGen C0220669, MONDO:0016027.

Allele frequency attached by ClinVar (database versions not stated): gnomAD exomes 0.00001 and 0.00004; ExAC 0.00004; gnomAD 0.00007; TOPMed 0.00011; ESP Exome Variant Server 0.00031.
gnomAD v4.1: 24 of 1,614,006 alleles (0.0015%); highest among the groups gnomAD compares: African/African-American, 0.017%; no homozygotes.

Submissions (4):

Labcorp Genetics (formerly Invitae), Labcorp
Classification: Uncertain significance for Benign neonatal seizures. Last evaluated: 2025-11-03. Review status: criteria provided, single submitter. Criteria: Invitae Variant Classification Sherloc (09022015). Collection method: clinical testing. Allele origin: germline.
Comment: This sequence change replaces histidine, which is basic and polar, with arginine, which is basic and polar, at codon 715 of the KCNQ3 protein (p.His715Arg). This variant is present in population databases (rs112314858, gnomAD 0.02%). This missense change has been observed in individuals with clinical features of early infantile epileptic encephalopathy (internal data). ClinVar contains an entry for this variant (Variation ID: 205985). Invitae Evidence Modeling of protein sequence and biophysical properties (such as structural, functional, and spatial information, amino acid conservation, physicochemical variation, residue mobility, and thermodynamic stability) indicates that this missense variant is not expected to disrupt KCNQ3 protein function with a negative predictive value of 95%. In summary, the available evidence is currently insufficient to determine the role of this variant in disease. Therefore, it has been classified as a Variant of Uncertain Significance.

Ambry Genetics
Classification: Likely benign for Inborn genetic diseases. Last evaluated: 2021-06-22. Review status: criteria provided, single submitter. Criteria: Ambry Variant Classification Scheme 2023. Collection method: clinical testing. Allele origin: germline.

GeneDx
Classification: Likely benign. Last evaluated: 2019-11-04. Review status: criteria provided, single submitter. Criteria: GeneDx Variant Classification Process June 2021. Collection method: clinical testing. Allele origin: germline. Affected: yes.

CeGaT Center for Human Genetics Tuebingen
Classification: Uncertain significance. Last evaluated: 2016-06-01. Review status: criteria provided, single submitter. Criteria: CeGaT Center For Human Genetics Tuebingen Variant Classification Criteria Version 2. Collection method: clinical testing. Allele origin: germline. Affected: yes. Observed: 1 variant allele.

NM_004519.4(KCNQ3):c.2144A>G (p.His715Arg)

Gene: KCNQ3 (potassium voltage-gated channel subfamily Q member 3; minus strand). Cytogenetic location: 8q24.22.
Variant type: single nucleotide variant.
Coding change: c.2144A>G on transcript NM_004519.4 (MANE Select); coding-DNA position 2144, A replaced by G.
Protein change: p.His715Arg; replaces histidine 715 with arginine.
Molecular consequence: missense variant.
Genome position (GRCh38, 1-based): chr8:132,129,737, T>C on the plus strand (A>G on the coding strand, the complement: KCNQ3 is on the minus strand). VCF-style: chr8-132129737-T-C. GRCh37 (hg19) VCF-style: chr8-133141984-T-C.
Other names: p.H715R:CAT>CGT; c.1784A>G, p.His595Arg (NM_001204824.2); short protein forms H715R, H595R.
Identifiers: ClinVar variation 205985 (VCV000205985.53), dbSNP rs112314858, ClinGen allele CA315636.